The following is an entry in ClinVar:

NM_000540.3(RYR1):c.7852A>C (p.Met2618Leu)

Gene: RYR1 (ryanodine receptor 1; plus strand). Cytogenetic location: 19q13.2.
Variant type: single nucleotide variant.
Coding change: c.7852A>C on transcript NM_000540.3 (MANE Select); coding-DNA position 7852, A replaced by C.
Protein change: p.Met2618Leu; replaces methionine 2618 with leucine.
Molecular consequence: missense variant.
Genome position (GRCh38, 1-based): chr19:38,502,896, A>C. VCF-style: chr19-38502896-A-C. GRCh37 (hg19) VCF-style: chr19-38993536-A-C.
Other names: c.7852A>C, p.Met2618Leu (NM_001042723.2); short protein forms M2618L.
Identifiers: ClinVar variation 4756125 (VCV004756125.1).

ClinVar aggregate classification (germline): Uncertain significance (1 of 4 stars; one submission).

Conditions:
Malignant hyperthermia, susceptibility to, 1 (MHS1). Also called: RYR1-Related Malignant Hyperthermia Susceptibility; Malignant hyperthermia suceptibility 1; Anesthesia related hyperthermia; Malignant hyperpyrexia; Fulminating hyperpyrexia; Pharmacogenic myopathy. Identifiers: Orphanet 423, MedGen C2930980, MONDO:0007783, OMIM 145600.

gnomAD v4.1: 3 of 1,611,478 alleles (0.00019%); highest among the groups gnomAD compares: Non-Finnish European, 0.00025%; no homozygotes.

Submission:

Color Diagnostics, LLC DBA Color Health
Classification: Uncertain significance for Malignant hyperthermia, susceptibility to, 1. Last evaluated: 2025-07-14. Review status: criteria provided, single submitter. Criteria: ACMG Guidelines, 2015. Collection method: clinical testing. Allele origin: germline.
Comment: This missense variant replaces methionine with leucine at codon 2618 of the RYR1 protein. Computational prediction suggests that this variant may have deleterious impact on protein structure and function. To our knowledge, functional studies have not been reported for this variant. This variant has not been reported in individuals affected with RYR1-related disorders in the literature. This variant has not been identified in the general population by the Genome Aggregation Database (gnomAD). The available evidence is insufficient to determine the role of this variant in disease conclusively. Therefore, this variant is classified as a Variant of Uncertain Significance.